The following is an entry in ClinVar:

NM_001035.3(RYR2):c.10837A>G (p.Arg3613Gly)

Gene: RYR2 (ryanodine receptor 2; plus strand). Cytogenetic location: 1q43.
Variant type: single nucleotide variant.
Coding change: c.10837A>G on transcript NM_001035.3 (MANE Select); coding-DNA position 10837, A replaced by G.
Protein change: p.Arg3613Gly; replaces arginine 3613 with glycine.
Molecular consequence: missense variant.
Genome position (GRCh38, 1-based): chr1:237,727,198, A>G. VCF-style: chr1-237727198-A-G. GRCh37 (hg19) VCF-style: chr1-237890498-A-G.
Other names: c.10837A>G (NM_001035.2); short protein forms R3613G.
Identifiers: ClinVar variation 1441965 (VCV001441965.13), dbSNP rs2149142608, ClinGen allele CA345417108.

ClinVar aggregate classification (germline): Uncertain significance. Review status: criteria provided, multiple submitters, no conflicts (2 of 4 stars). 5 submissions from 5 submitters: Uncertain significance (5). Last evaluated 2025-10-14.

Conditions:
Catecholaminergic polymorphic ventricular tachycardia (CVPT). Also called: Catecholamine-induced polymorphic ventricular tachycardia. Identifiers: Orphanet 3286, MedGen C5574922, MONDO:0017990.
Cardiovascular phenotype. Identifiers: MedGen CN230736.
Catecholaminergic polymorphic ventricular tachycardia 1. Also called: VENTRICULAR TACHYCARDIA, CATECHOLAMINERGIC POLYMORPHIC, 1, WITH OR WITHOUT ATRIAL DYSFUNCTION AND/OR DILATED CARDIOMYOPATHY; RYR2-Related Catecholaminergic Polymorphic Ventricular Tachycardia; VENTRICULAR TACHYCARDIA, STRESS-INDUCED POLYMORPHIC 1. Identifiers: Orphanet 3286, MedGen C1631597, MONDO:0011484, OMIM 604772.
Arrhythmogenic right ventricular dysplasia 2. Identifiers: MedGen C1832931.
Ventricular arrhythmias due to cardiac ryanodine receptor calcium release deficiency syndrome. Also called: Autosomal dominant cardiac arrhythmia (Kuhn). Identifiers: MedGen C5542154, MONDO:0020745, OMIM 115000.
Cardiomyopathy (CMYO). Also called: Cardiomyopathies. Identifiers: Orphanet 167848, MedGen C0878544, MONDO:0004994, HP:0001638. Inheritance: Various modes of inheritance.

Submissions (5):

Ambry Genetics
Classification: Uncertain significance for Cardiovascular phenotype. Last evaluated: 2025-10-14. Review status: criteria provided, single submitter. Criteria: Ambry Variant Classification Scheme 2023. Collection method: clinical testing. Allele origin: germline.
Comment: The p.R3613G variant (also known as c.10837A>G), located in coding exon 76 of the RYR2 gene, results from an A to G substitution at nucleotide position 10837. The arginine at codon 3613 is replaced by glycine, an amino acid with dissimilar properties. This amino acid position is highly conserved in available vertebrate species. In addition, this alteration is predicted to be deleterious by in silico analysis. Based on the available evidence, the clinical significance of this variant remains unclear.

Labcorp Genetics (formerly Invitae), Labcorp
Classification: Uncertain significance for Catecholaminergic polymorphic ventricular tachycardia 1. Last evaluated: 2025-03-05. Review status: criteria provided, single submitter. Criteria: Invitae Variant Classification Sherloc (09022015). Collection method: clinical testing. Allele origin: germline.
Comment: This sequence change replaces arginine, which is basic and polar, with glycine, which is neutral and non-polar, at codon 3613 of the RYR2 protein (p.Arg3613Gly). This variant is not present in population databases (gnomAD no frequency). This variant has not been reported in the literature in individuals affected with RYR2-related conditions. ClinVar contains an entry for this variant (Variation ID: 1441965). An algorithm developed to predict the effect of missense changes on protein structure and function (PolyPhen-2) suggests that this variant is likely to be tolerated. Algorithms developed to predict the effect of sequence changes on RNA splicing suggest that this variant may disrupt the consensus splice site. In summary, the available evidence is currently insufficient to determine the role of this variant in disease. Therefore, it has been classified as a Variant of Uncertain Significance.

All of Us Research Program, National Institutes of Health
Classification: Uncertain significance for Catecholaminergic polymorphic ventricular tachycardia. Last evaluated: 2024-02-05. Review status: criteria provided, single submitter. Criteria: ACMG Guidelines, 2015. Collection method: clinical testing. Allele origin: germline. Inheritance: Autosomal dominant inheritance. Observed: 4 variant alleles, 4 heterozygotes.
Comment: This missense variant replaces arginine with glycine at codon 3613 of the RYR2 protein. Computational prediction suggests that this variant may have deleterious impact on protein structure and function (internally defined REVEL score threshold >= 0.7, PMID: 27666373). To our knowledge, functional studies have not been reported for this variant. This variant has not been reported in individuals affected with RYR2-related disorders in the literature. This variant has not been identified in the general population by the Genome Aggregation Database (gnomAD). The available evidence is insufficient to determine the role of this variant in disease conclusively. Therefore, this variant is classified as a Variant of Uncertain Significance.

This study involves interpretation of variants in research participants for the purpose of population health screening. Participant phenotype was not available at the time of variant classification. Additional details can be found in publication PMID: 35346344, PMCID: PMC8962531

Color Diagnostics, LLC DBA Color Health
Classification: Uncertain significance for Cardiomyopathy. Last evaluated: 2023-11-22. Review status: criteria provided, single submitter. Criteria: ACMG Guidelines, 2015. Collection method: clinical testing. Allele origin: germline.
Comment: This missense variant replaces arginine with glycine at codon 3613 of the RYR2 protein. Computational prediction suggests that this variant may have deleterious impact on protein structure and function (internally defined REVEL score threshold >= 0.7, PMID: 27666373). To our knowledge, functional studies have not been reported for this variant. This variant has not been reported in individuals affected with RYR2-related disorders in the literature. This variant has not been identified in the general population by the Genome Aggregation Database (gnomAD). The available evidence is insufficient to determine the role of this variant in disease conclusively. Therefore, this variant is classified as a Variant of Uncertain Significance.

Fulgent Genetics
Classification: Uncertain significance for Ventricular arrhythmias due to cardiac ryanodine receptor calcium release deficiency syndrome; Catecholaminergic polymorphic ventricular tachycardia 1. Last evaluated: 2021-12-07. Review status: criteria provided, single submitter. Criteria: ACMG Guidelines, 2015. Collection method: clinical testing. Allele origin: unknown.